The following is an entry in ClinVar:

ClinVar aggregate classification (germline): Pathogenic (1 of 4 stars; one submission).

Submission:

Labcorp Genetics (formerly Invitae), Labcorp
Classification: Pathogenic. Last evaluated: 2025-12-10. Review status: criteria provided, single submitter. Criteria: Invitae Variant Classification Sherloc (09022015). Collection method: clinical testing. Allele origin: germline.
Comment: This sequence change inserts a large fragment of DNA, likely a transposable element, in exon 2 of the KIF14 gene (c.834_835ins?), causing a frameshift at codon 279 (p.Thr279fs). The exact size and sequence of the insertion cannot be determined by the current assay. However, the insertion is expected to result in an absent or disrupted protein product. This variant is not present in population databases (gnomAD no frequency). This variant has not been reported in the literature in individuals affected with KIF14-related conditions. Retrotransposon insertions including LINE1 (L1), Alu, and SVA (SINE-VNTR-Alu) have been reported to be disease-causing through disruption of either a coding region or splice site (PMID: 19763152, 20307669, 22406018) and loss-of-function variants in KIF14 are known to be pathogenic (PMID: 23308235, 29343805, 30388224). For these reasons, this variant has been classified as Pathogenic.

Literature cited by the submitters: PubMed 19763152; PubMed 20307669; PubMed 22406018; PubMed 23308235; PubMed 29343805; PubMed 30388224.

NM_014875.3(KIF14):c.834_835insGGGGGGATTGAGCCAAGATGGCCGAATAGGAACAGCTCCGGTCTACAGCTCCCAGCGTGAGCAACGCAGAAGACGGTGANNNNNNNNNNAAAAAAAAAAAAAAAAAAAAAGAAAAAAGAACACCT (p.Thr279delinsGlyGlyIleGluProArgTrpProAsnArgAsnSerSerGlyLeuGlnLeuProAlaTer)

Gene: KIF14 (kinesin family member 14; minus strand). Cytogenetic location: 1q32.1.
Variant type: Insertion.
Coding change: c.834_835insGGGGGGATTGAGCCAAGATGGCCGAATAGGAACAGCTCCGGTCTACAGCTCCCAGCGTGAGCAACGCAGAAGACGGTGANNNNNNNNNNAAAAAAAAAAAAAAAAAAAAAGAAAAAAGAACACCT on transcript NM_014875.3 (MANE Select); coding-DNA positions 834 to 835, GGGGGGATTGAGCCAAGATGGCCGAATAGGAACAGCTCCGGTCTACAGCTCCCAGCGTGAGCAACGCAGAAGACGGTGANNNNNNNNNNAAAAAAAAAAAAAAAAAAAAAGAAAAAAGAACACCT inserted.
Protein change: p.Thr279delinsGlyGlyIleGluProArgTrpProAsnArgAsnSerSerGlyLeuGlnLeuProAlaTer.
Molecular consequence: nonsense. On other transcripts: 5 prime UTR variant (1).
Genome position: GRCh38: chr1:200,617,905-200,617,906. GRCh37 (hg19): chr1:200,587,033-200,587,034.
Other names: c.-552_-551insGGGGGGATTGAGCCAAGATGGCCGAATAGGAACAGCTCCGGTCTACAGCTCCCAGCGTGAGCAACGCAGAAGACGGTGANNNNNNNNNNAAAAAAAAAAAAAAAAAAAAAGAAAAAAGAACACCT (NM_001305792.1).
Identifiers: ClinVar variation 4732924 (VCV004732924.1).